The following is an entry in ClinVar:

NM_032776.3(JMJD1C):c.4866T>C (p.Tyr1622=)

Gene: JMJD1C (jumonji domain containing 1C; minus strand). Cytogenetic location: 10q21.3.
Variant type: single nucleotide variant.
Coding change: c.4866T>C on transcript NM_032776.3 (MANE Select); coding-DNA position 4866, T replaced by C.
Protein change: p.Tyr1622=; no amino-acid change (tyrosine 1622 retained).
Molecular consequence: synonymous variant. On other transcripts: non-coding transcript variant (1).
Genome position (GRCh38, 1-based): chr10:63,206,803, A>G on the plus strand (T>C on the coding strand, the complement: JMJD1C is on the minus strand). VCF-style: chr10-63206803-A-G. GRCh37 (hg19) VCF-style: chr10-64966563-A-G.
Other names: c.4320T>C, p.Tyr1440= (NM_001282948.2, NM_001318154.2); c.4002T>C, p.Tyr1334= (NM_001318153.2); c.4752T>C, p.Tyr1584= (NM_001322252.2); c.4209T>C, p.Tyr1403= (NM_001322254.2, NM_001322258.2).
Identifiers: ClinVar variation 460255 (VCV000460255.13), dbSNP rs373686710, ClinGen allele CA5518193.

ClinVar aggregate classification (germline): Likely benign. Review status: criteria provided, single submitter (1 of 4 stars). 2 submissions from 2 submitters: Likely benign (1). 1 of the submissions does not count toward it. Last evaluated 2025-09-10.

Conditions:
JMJD1C-related disorder. Also called: JMJD1C-related condition.
Early Myoclonic Encephalopathy. Identifiers: MedGen C0270855.

Allele frequency attached by ClinVar (database versions not stated): ESP Exome Variant Server 0.00025; TOPMed 0.00008; ExAC 0.00010; gnomAD 0.00008; gnomAD exomes 0.00009 and 0.00019.
gnomAD v4.1: 143 of 1,603,772 alleles (0.0089%); highest among the groups gnomAD compares: Middle Eastern, 0.05%; no homozygotes.

Submissions (2):

Labcorp Genetics (formerly Invitae), Labcorp
Classification: Likely benign for Early Myoclonic Encephalopathy. Last evaluated: 2025-09-10. Review status: criteria provided, single submitter. Criteria: Invitae Variant Classification Sherloc (09022015). Collection method: clinical testing. Allele origin: germline.

PreventionGenetics, part of Exact Sciences
Classification: Likely benign for JMJD1C-related condition. Last evaluated: 2019-05-28. Review status: no assertion criteria provided. Collection method: clinical testing. Allele origin: germline. Not counted in ClinVar's aggregate classification.
Comment: This variant is classified as likely benign based on ACMG/AMP sequence variant interpretation guidelines (Richards et al. 2015 PMID: 25741868, with internal and published modifications).